The following is an entry in ClinVar:

ClinVar aggregate classification (germline): Uncertain significance. Review status: criteria provided, multiple submitters, no conflicts (2 of 4 stars). 2 submissions from 2 submitters: Uncertain significance (2). Last evaluated 2024-11-25.

Conditions:
Familial thoracic aortic aneurysm and aortic dissection (TAAD). Also called: Thoracic aortic aneurysms and dissections. Identifiers: Orphanet 91387, MedGen C4707243, MONDO:0019625.
Ehlers-Danlos syndrome, type 4 (EDSVASC). Also called: Ehlers-Danlos Syndrome Type IV; Ehlers-Danlos syndrome vascular type; Ehlers Danlos syndrome, ecchymotic type; Ehlers Danlos syndrome, arterial type; Ehlers Danlos syndrome, Sack-Barabas type. Identifiers: Orphanet 286, MedGen C0268338, MONDO:0017314, OMIM 130050.

gnomAD v4.1: 8 of 1,613,984 alleles (0.0005%); highest among the groups gnomAD compares: Non-Finnish European, 0.00068%; no homozygotes.

Submissions (2):

Labcorp Genetics (formerly Invitae), Labcorp
Classification: Uncertain significance for Ehlers-Danlos syndrome, type 4. Last evaluated: 2024-11-25. Review status: criteria provided, single submitter. Criteria: Invitae Variant Classification Sherloc (09022015). Collection method: clinical testing. Allele origin: germline.
Comment: This sequence change replaces alanine, which is neutral and non-polar, with threonine, which is neutral and polar, at codon 709 of the COL3A1 protein (p.Ala709Thr). This variant is present in population databases (no rsID available, gnomAD 0.007%). This variant has not been reported in the literature in individuals affected with COL3A1-related conditions. ClinVar contains an entry for this variant (Variation ID: 2691158). Invitae Evidence Modeling of protein sequence and biophysical properties (such as structural, functional, and spatial information, amino acid conservation, physicochemical variation, residue mobility, and thermodynamic stability) indicates that this missense variant is not expected to disrupt COL3A1 protein function with a negative predictive value of 95%. In summary, the available evidence is currently insufficient to determine the role of this variant in disease. Therefore, it has been classified as a Variant of Uncertain Significance.

CHEO Genetics Diagnostic Laboratory, Children's Hospital of Eastern Ontario
Classification: Uncertain significance for Familial thoracic aortic aneurysm and aortic dissection. Last evaluated: 2022-08-23. Review status: criteria provided, single submitter. Criteria: ACMG Guidelines, 2015. Collection method: clinical testing. Allele origin: germline.

NM_000090.4(COL3A1):c.2125G>A (p.Ala709Thr)

Gene: COL3A1 (collagen type III alpha 1 chain; plus strand). Cytogenetic location: 2q32.2.
Variant type: single nucleotide variant.
Coding change: c.2125G>A on transcript NM_000090.4 (MANE Select); coding-DNA position 2125, G replaced by A.
Protein change: p.Ala709Thr; replaces alanine 709 with threonine.
Molecular consequence: missense variant.
Genome position (GRCh38, 1-based): chr2:188,999,473, G>A. VCF-style: chr2-188999473-G-A. GRCh37 (hg19) VCF-style: chr2-189864199-G-A.
Other names: short protein forms A709T.
Identifiers: ClinVar variation 2691158 (VCV002691158.3), dbSNP rs201468881, ClinGen allele CA349840519.